The following is an entry in ClinVar:

NM_001349.4(DARS1):c.1099G>C (p.Asp367His)

Gene: DARS1 (aspartyl-tRNA synthetase 1; minus strand). Cytogenetic location: 2q21.3.
Variant type: single nucleotide variant.
Coding change: c.1099G>C on transcript NM_001349.4 (MANE Select); coding-DNA position 1099, G replaced by C.
Protein change: p.Asp367His; replaces aspartic acid 367 with histidine.
Molecular consequence: missense variant.
Genome position (GRCh38, 1-based): chr2:135,916,233, C>G on the plus strand (G>C on the coding strand, the complement: DARS1 is on the minus strand). VCF-style: chr2-135916233-C-G. GRCh37 (hg19) VCF-style: chr2-136673803-C-G.
Other names: c.799G>C, p.Asp267His (NM_001293312.1); short protein forms D267H, D367H.
Identifiers: ClinVar variation 4856991 (VCV004856991.1).

ClinVar aggregate classification (germline): Uncertain significance (1 of 4 stars; one submission).

Conditions:
Hypomyelination with brain stem and spinal cord involvement and leg spasticity. Also called: ASPARTYL-tRNA SYNTHETASE DEFICIENCY; Hypomyelination with brainstem and spinal cord involvement and leg spasticity. Identifiers: Orphanet 363412, MedGen C4755254, MONDO:0014115, OMIM 615281.

gnomAD v4.1: 10 of 1,580,462 alleles (0.00063%); highest among the groups gnomAD compares: Non-Finnish European, 0.00078%; no homozygotes.

Submission:

GLIA-CTN Genomics Core
Classification: Uncertain significance for Hypomyelination with brain stem and spinal cord involvement and leg spasticity. Last evaluated: 2026-05-27. Review status: criteria provided, single submitter. Criteria: ACMG Guidelines, 2015. Collection method: clinical testing. Allele origin: germline. Inheritance: Autosomal recessive inheritance. Affected: yes. Observed: 1 variant allele, 1 compound heterozygote.
Comment: The NM_001349.4(DARS1):c.1099G>A variant in DARS1 is a missense variant predicted to cause the substitution of an aspartic acid to a histidine at amino acid position 367 (p.Asp367His). This variant was confirmed to be in trans with another DARS1 variant present in ClinVar (NM_001349.4(DARS1):c.839A>T) in one individual with hypomyelination with brainstem and spinal cord abnormalities and leg spasticity (HBSL, OMIM 615281; PMID: 25527264). Patient had progressive leg spasticity and urinary urgency/frequency, no oligoclonal bands present in CSF, and normal cognition at time of last review. The variant has not been reported in the homozygous state and the highest population minor allele frequency in gnomAD v4.1.1 is 0.00001629 (PM2_supporting based on the ClinGen Sequence Variant Interpretation Working Group). In summary, this variant meets criteria to be classified as a variant of uncertain significance based on the ACMG/AMP criteria applied (PM2_supporting).

Literature cited by the submitters: PubMed 25527264.